The following is an entry in ClinVar:

NM_001358921.2(COQ2):c.86T>G (p.Phe29Cys)

Genes: COQ2 (coenzyme Q2, polyprenyltransferase; minus strand), LOC112997540 (Sharpr-MPRA regulatory region 13773; plus strand). Cytogenetic location: 4q21.23.
Variant type: single nucleotide variant.
Coding change: c.86T>G on transcript NM_001358921.2 (MANE Select); coding-DNA position 86, T replaced by G.
Protein change: p.Phe29Cys; replaces phenylalanine 29 with cysteine.
Molecular consequence: missense variant.
Genome position (GRCh38, 1-based): chr4:83,284,679, A>C on the plus strand (T>G on the coding strand, the complement: COQ2 is on the minus strand). VCF-style: chr4-83284679-A-C. GRCh37 (hg19) VCF-style: chr4-84205832-A-C.
Other names: c.236T>G, p.Phe79Cys (NM_015697.9); c.236T>G (NM_015697.7); short protein forms F79C, F29C.
Identifiers: ClinVar variation 1512350 (VCV001512350.6), dbSNP rs1220218092, ClinGen allele CA357231101.

ClinVar aggregate classification (germline): Uncertain significance. Review status: criteria provided, multiple submitters, no conflicts (2 of 4 stars). 4 submissions from 4 submitters: Uncertain significance (3). 1 of the submissions does not count toward it. Last evaluated 2024-11-20.

Conditions:
Inborn genetic diseases. Identifiers: MedGen C0950123, MeSH D030342.
COQ2-related disorder. Also called: COQ2-related condition.

Allele frequency attached by ClinVar (database versions not stated): gnomAD 0.00001; TOPMed 0.00001; gnomAD exomes 0.00003.

Submissions (4):

GeneDx
Classification: Uncertain significance. Last evaluated: 2024-11-20. Review status: criteria provided, single submitter. Criteria: GeneDx Variant Classification Process June 2021. Collection method: clinical testing. Allele origin: germline. Affected: yes.
Comment: Not observed at significant frequency in large population cohorts (gnomAD); In silico analysis indicates that this missense variant does not alter protein structure/function; Has not been previously published as pathogenic or benign to our knowledge

Labcorp Genetics (formerly Invitae), Labcorp
Classification: Uncertain significance. Last evaluated: 2021-08-26. Review status: criteria provided, single submitter. Criteria: Invitae Variant Classification Sherloc (09022015). Collection method: clinical testing. Allele origin: germline.
Comment: This sequence change replaces phenylalanine with cysteine at codon 79 of the COQ2 protein (p.Phe79Cys). The phenylalanine residue is weakly conserved and there is a large physicochemical difference between phenylalanine and cysteine. The frequency data for this variant in the population databases is considered unreliable, as metrics indicate insufficient coverage at this position in the ExAC database. This variant has not been reported in the literature in individuals affected with COQ2-related conditions. Algorithms developed to predict the effect of missense changes on protein structure and function (SIFT, PolyPhen-2, Align-GVGD) all suggest that this variant is likely to be tolerated. In summary, the available evidence is currently insufficient to determine the role of this variant in disease. Therefore, it has been classified as a Variant of Uncertain Significance.

Ambry Genetics
Classification: Uncertain significance for Inborn genetic diseases. Last evaluated: 2021-06-29. Review status: criteria provided, single submitter. Criteria: Ambry Variant Classification Scheme 2023. Collection method: clinical testing. Allele origin: germline.

PreventionGenetics, part of Exact Sciences
Classification: Uncertain significance for COQ2-related condition. Last evaluated: 2024-09-22. Review status: no assertion criteria provided. Collection method: clinical testing. Allele origin: germline. Not counted in ClinVar's aggregate classification.
Comment: The COQ2 c.236T>G variant is predicted to result in the amino acid substitution p.Phe79Cys. To our knowledge, this variant has not been reported in the literature or in a large population database, indicating this variant is rare. At this time, the clinical significance of this variant is uncertain due to the absence of conclusive functional and genetic evidence.